The following is an entry in ClinVar:

NM_138694.4(PKHD1):c.5995G>T (p.Gly1999Ter)

Gene: PKHD1 (PKHD1 ciliary IPT domain containing fibrocystin/polyductin; minus strand). Cytogenetic location: 6p12.2.
Variant type: single nucleotide variant.
Coding change: c.5995G>T on transcript NM_138694.4 (MANE Select); coding-DNA position 5995, G replaced by T.
Protein change: p.Gly1999Ter; replaces glycine 1999 with a stop codon.
Molecular consequence: nonsense.
Genome position (GRCh38, 1-based): chr6:51,934,236, C>A on the plus strand (G>T on the coding strand, the complement: PKHD1 is on the minus strand). VCF-style: chr6-51934236-C-A. GRCh37 (hg19) VCF-style: chr6-51799034-C-A.
Other names: c.5995G>T, p.Gly1999Ter (NM_170724.3); short protein forms G1999*.
Identifiers: ClinVar variation 1444597 (VCV001444597.6), dbSNP rs2127768828, ClinGen allele CA364417830.

ClinVar aggregate classification (germline): Pathogenic (1 of 4 stars; one submission).

Conditions:
Autosomal recessive polycystic kidney disease (ARPKD). Also called: AR polycystic kidney disease. Identifiers: Orphanet 731, Orphanet 8378, MedGen C0085548, MeSH D017044, MONDO:0009889.

Submission:

Labcorp Genetics (formerly Invitae), Labcorp
Classification: Pathogenic for Autosomal recessive polycystic kidney disease. Last evaluated: 2021-03-15. Review status: criteria provided, single submitter. Criteria: Invitae Variant Classification Sherloc (09022015). Collection method: clinical testing. Allele origin: germline.
Comment: This sequence change creates a premature translational stop signal (p.Gly1999*) in the PKHD1 gene. It is expected to result in an absent or disrupted protein product. Loss-of-function variants in PKHD1 are known to be pathogenic (PMID: 19940839). This variant is not present in population databases (ExAC no frequency). This variant has not been reported in the literature in individuals with PKHD1-related conditions. For these reasons, this variant has been classified as Pathogenic.

Literature cited by the submitters: PubMed 19940839.